The following is an entry in ClinVar:

NM_000051.4(ATM):c.3308A>T (p.Asp1103Val)

Gene: ATM (ATM serine/threonine kinase; plus strand). Cytogenetic location: 11q22.3.
Variant type: single nucleotide variant.
Coding change: c.3308A>T on transcript NM_000051.4 (MANE Select); coding-DNA position 3308, A replaced by T.
Protein change: p.Asp1103Val; replaces aspartic acid 1103 with valine.
Molecular consequence: missense variant.
Genome position (GRCh38, 1-based): chr11:108,279,514, A>T. VCF-style: chr11-108279514-A-T. GRCh37 (hg19) VCF-style: chr11-108150241-A-T.
Other names: c.3308A>T, p.Asp1103Val (NM_001351834.2); short protein forms D1103V.
Identifiers: ClinVar variation 653038 (VCV000653038.8), dbSNP rs1555090118, ClinGen allele CA382517393.

ClinVar aggregate classification (germline): Uncertain significance (1 of 4 stars; one submission).

Conditions:
Ataxia-telangiectasia syndrome (AT). Also called: ATAXIA-TELANGIECTASIA, FRESNO VARIANT; Ataxia-telangiectasia, complementation group E; Ataxia telangiectasia (A-T); Cerebello-oculocutaneous telangiectasia; Immunodeficiency with ataxia telangiectasia; LOUIS-BAR SYNDROME. Identifiers: Orphanet 100, MedGen C0004135, MONDO:0008840, OMIM 208900.

Submission:

Labcorp Genetics (formerly Invitae), Labcorp
Classification: Uncertain significance for Ataxia-telangiectasia syndrome. Last evaluated: 2018-11-21. Review status: criteria provided, single submitter. Criteria: Invitae Variant Classification Sherloc (09022015). Collection method: clinical testing. Allele origin: germline.
Comment: In summary, the available evidence is currently insufficient to determine the role of this variant in disease. Therefore, it has been classified as a Variant of Uncertain Significance. Algorithms developed to predict the effect of missense changes on protein structure and function (SIFT, PolyPhen-2, Align-GVGD) all suggest that this variant is likely to be tolerated, but these predictions have not been confirmed by published functional studies and their clinical significance is uncertain. This variant has not been reported in the literature in individuals with ATM-related disease. This variant is not present in population databases (ExAC no frequency). This sequence change replaces aspartic acid with valine at codon 1103 of the ATM protein (p.Asp1103Val). The aspartic acid residue is weakly conserved and there is a large physicochemical difference between aspartic acid and valine.